The following is an entry in ClinVar:

ClinVar aggregate classification (germline): Uncertain significance. Review status: criteria provided, multiple submitters, no conflicts (2 of 4 stars). 2 submissions from 2 submitters: Uncertain significance (2). Last evaluated 2024-11-13.

Conditions:
Immunodeficiency 51 (IMD51). Also called: CANDIDIASIS, FAMILIAL, 5. Identifiers: Orphanet 1334, MedGen C4310803, MONDO:0013500, OMIM 613953.

Allele frequency attached by ClinVar (database versions not stated): gnomAD exomes 0.00001; gnomAD 0.00005 and 0.00006; TOPMed 0.00005.

Submissions (2):

Ambry Genetics
Classification: Uncertain significance. Last evaluated: 2024-11-13. Review status: criteria provided, single submitter. Criteria: Ambry Variant Classification Scheme 2023. Collection method: clinical testing. Allele origin: germline.

Labcorp Genetics (formerly Invitae), Labcorp
Classification: Uncertain significance for Immunodeficiency 51. Last evaluated: 2022-10-17. Review status: criteria provided, single submitter. Criteria: Invitae Variant Classification Sherloc (09022015). Collection method: clinical testing. Allele origin: germline.
Comment: This sequence change replaces valine, which is neutral and non-polar, with isoleucine, which is neutral and non-polar, at codon 341 of the IL17RA protein (p.Val341Ile). This variant is present in population databases (no rsID available, gnomAD 0.01%). This variant has not been reported in the literature in individuals affected with IL17RA-related conditions. ClinVar contains an entry for this variant (Variation ID: 958284). Advanced modeling of protein sequence and biophysical properties (such as structural, functional, and spatial information, amino acid conservation, physicochemical variation, residue mobility, and thermodynamic stability) performed at Invitae indicates that this missense variant is not expected to disrupt IL17RA protein function. In summary, the available evidence is currently insufficient to determine the role of this variant in disease. Therefore, it has been classified as a Variant of Uncertain Significance.

NM_014339.7(IL17RA):c.1021G>A (p.Val341Ile)

Genes: IL17RA (interleukin 17 receptor A; plus strand), LOC129391259 (MPRA-validated peak4440 silencer; plus strand). Cytogenetic location: 22q11.1.
Variant type: single nucleotide variant.
Coding change: c.1021G>A on transcript NM_014339.7 (MANE Select); coding-DNA position 1021, G replaced by A.
Protein change: p.Val341Ile; replaces valine 341 with isoleucine.
Molecular consequence: missense variant. On other transcripts: intron variant (1).
Genome position (GRCh38, 1-based): chr22:17,105,930, G>A. VCF-style: chr22-17105930-G-A. GRCh37 (hg19) VCF-style: chr22-17586820-G-A.
Other names: c.1021G>A (NM_014339.5); c.943+328G>A (NM_001289905.2); short protein forms V341I.
Identifiers: ClinVar variation 958284 (VCV000958284.10), dbSNP rs868826492, ClinGen allele CA321151387.